The following is an entry in ClinVar:

NM_003482.4(KMT2D):c.6819C>G (p.Leu2273=)

Gene: KMT2D (lysine methyltransferase 2D; minus strand). Cytogenetic location: 12q13.12.
Variant type: single nucleotide variant.
Coding change: c.6819C>G on transcript NM_003482.4 (MANE Select); coding-DNA position 6819, C replaced by G.
Protein change: p.Leu2273=; no amino-acid change (leucine 2273 retained).
Molecular consequence: synonymous variant.
Genome position (GRCh38, 1-based): chr12:49,040,951, G>C on the plus strand (C>G on the coding strand, the complement: KMT2D is on the minus strand). VCF-style: chr12-49040951-G-C. GRCh37 (hg19) VCF-style: chr12-49434734-G-C.
Identifiers: ClinVar variation 3012524 (VCV003012524.4), dbSNP rs756042386, ClinGen allele CA479711924.
Genomic context (GRCh38, chr12:49,040,951, plus strand): 5'-CCCAAGCTCTTCCTTCTTCACCTCTAGGGCCTTCCGGGACTCCCCAAAAGGTGGGGGCGA[G>C]AGCAGGGGCTCGGAAGCTTTGCCTCCCCCTACCCCAGGGCTCTCAGGCACAGCCAAGTTA-3'
Protein context (NP_003473.3, residues 2263-2283): VGGGKASEPL[Leu2273=]SPPPFGESRK

ClinVar aggregate classification (germline): Likely benign. Review status: criteria provided, multiple submitters, no conflicts (2 of 4 stars). 2 submissions from 2 submitters: Likely benign (2). Last evaluated 2025-01-22.

Conditions:
KMT2D-related disorder. Also called: KMT2D-Related Disorders.
Kabuki syndrome. Also called: Kabuki make-up syndrome; NIIKAWA-KUROKI SYNDROME. Identifiers: Orphanet 2322, MedGen C0796004, MONDO:0016512.

Allele frequency attached by ClinVar (database versions not stated): TOPMed 0.00001.
gnomAD v4.1: 3 of 1,612,464 alleles (0.00019%); highest among the groups gnomAD compares: Admixed American, 0.0033%; no homozygotes.

Submissions (2):

PreventionGenetics, part of Exact Sciences
Classification: Likely benign for KMT2D-related condition. Last evaluated: 2025-01-22. Review status: criteria provided, single submitter. Criteria: ACMG Guidelines, 2015. Collection method: clinical testing. Allele origin: germline.
Comment: This variant is classified as likely benign based on ACMG/AMP sequence variant interpretation guidelines (Richards et al. 2015 PMID: 25741868, with internal and published modifications).

Labcorp Genetics (formerly Invitae), Labcorp
Classification: Likely benign for Kabuki syndrome. Last evaluated: 2024-09-06. Review status: criteria provided, single submitter. Criteria: Invitae Variant Classification Sherloc (09022015). Collection method: clinical testing. Allele origin: germline.